The following is an entry in ClinVar:

NM_024577.4(SH3TC2):c.1754G>A (p.Arg585Lys)

Gene: SH3TC2 (SH3 domain and tetratricopeptide repeats 2; minus strand). Cytogenetic location: 5q32.
Variant type: single nucleotide variant.
Coding change: c.1754G>A on transcript NM_024577.4 (MANE Select); coding-DNA position 1754, G replaced by A.
Protein change: p.Arg585Lys; replaces arginine 585 with lysine.
Molecular consequence: missense variant.
Genome position (GRCh38, 1-based): chr5:149,027,978, C>T on the plus strand (G>A on the coding strand, the complement: SH3TC2 is on the minus strand). VCF-style: chr5-149027978-C-T. GRCh37 (hg19) VCF-style: chr5-148407541-C-T.
Other names: short protein forms R585K.
Identifiers: ClinVar variation 854155 (VCV000854155.9), dbSNP rs1754104023, ClinGen allele CA361667795.
Genomic context (GRCh38, chr5:149,027,978, plus strand): 5'-CGGTCAGGCAGGCAGGCCAGCAGGGCACCTGCCTTTTCCAACAGGGCGGAGCCTTTATGT[C>T]TCAGCCTCTGTTTCAGGTAGATGGCAGCCAAATTGATGTACAGAGTGGCCACCAAGGATA-3'
Protein context (NP_078853.2, residues 575-595): LAAIYLKQRL[Arg585Lys]HKGSALLEKA

ClinVar aggregate classification (germline): Uncertain significance (1 of 4 stars; one submission).

Conditions:
Charcot-Marie-Tooth disease type 4. Also called: Charcot-Marie-Tooth disease, type IV; Charcot-Marie-Tooth, Type 4. Identifiers: Orphanet 64749, MedGen C4082197, MONDO:0018995.

Allele frequency attached by ClinVar (database versions not stated): gnomAD exomes below 0.00001.

Submission:

Labcorp Genetics (formerly Invitae), Labcorp
Classification: Uncertain significance for Charcot-Marie-Tooth disease type 4. Last evaluated: 2019-03-29. Review status: criteria provided, single submitter. Criteria: Invitae Variant Classification Sherloc (09022015). Collection method: clinical testing. Allele origin: germline.
Comment: Algorithms developed to predict the effect of missense changes on protein structure and function (SIFT, PolyPhen-2, Align-GVGD) all suggest that this variant is likely to be tolerated, but these predictions have not been confirmed by published functional studies and their clinical significance is uncertain. In summary, the available evidence is currently insufficient to determine the role of this variant in disease. Therefore, it has been classified as a Variant of Uncertain Significance. This variant has not been reported in the literature in individuals with SH3TC2-related conditions. This sequence change replaces arginine with lysine at codon 585 of the SH3TC2 protein (p.Arg585Lys). The arginine residue is highly conserved and there is a small physicochemical difference between arginine and lysine. This variant is not present in population databases (ExAC no frequency).